The following is an entry in ClinVar:

ClinVar aggregate classification (germline): Uncertain significance (1 of 4 stars; one submission).

gnomAD v4.1: 2 of 1,443,374 alleles (0.00014%); highest among the groups gnomAD compares: Non-Finnish European, 0.00019%; no homozygotes.

Submission:

Labcorp Genetics (formerly Invitae), Labcorp
Classification: Uncertain significance. Last evaluated: 2024-08-13. Review status: criteria provided, single submitter. Criteria: Invitae Variant Classification Sherloc (09022015). Collection method: clinical testing. Allele origin: germline.
Comment: This sequence change falls in intron 16 of the POLE2 gene. It does not directly change the encoded amino acid sequence of the POLE2 protein. It affects a nucleotide within the consensus splice site. This variant is present in population databases (no rsID available, gnomAD 0.0009%). This variant has not been reported in the literature in individuals affected with POLE2-related conditions. Variants that disrupt the consensus splice site are a relatively common cause of aberrant splicing (PMID: 17576681, 9536098). Algorithms developed to predict the effect of sequence changes on RNA splicing suggest that this variant may disrupt the consensus splice site. In summary, the available evidence is currently insufficient to determine the role of this variant in disease. Therefore, it has been classified as a Variant of Uncertain Significance.

Literature cited by the submitters: PubMed 17576681; PubMed 9536098.

NM_002692.4(POLE2):c.1320+3A>C

Gene: POLE2 (DNA polymerase epsilon 2, accessory subunit; minus strand). Cytogenetic location: 14q21.3.
Variant type: single nucleotide variant.
Coding change: c.1320+3A>C on transcript NM_002692.4 (MANE Select); 3 bases into the intron after coding-DNA position 1320, A replaced by C.
Molecular consequence: intron variant.
Genome position (GRCh38, 1-based): chr14:49,651,266, T>G on the plus strand (A>C on the coding strand, the complement: POLE2 is on the minus strand). VCF-style: chr14-49651266-T-G. GRCh37 (hg19) VCF-style: chr14-50117984-T-G.
Other names: c.1089+3A>C (NM_001348385.2); c.1320+3A>C (NM_001197331.3); c.1242+3A>C (NM_001197330.2); c.1317+3A>C (NM_001348384.2).
Identifiers: ClinVar variation 3661506 (VCV003661506.2).